The following is an entry in ClinVar:

ClinVar aggregate classification (germline): Uncertain significance (1 of 4 stars; one submission).

gnomAD v4.1: 4 of 1,613,890 alleles (0.00025%); highest among the groups gnomAD compares: Admixed American, 0.005%; no homozygotes.

Submission:

Labcorp Genetics (formerly Invitae), Labcorp
Classification: Uncertain significance. Last evaluated: 2025-08-12. Review status: criteria provided, single submitter. Criteria: Invitae Variant Classification Sherloc (09022015). Collection method: clinical testing. Allele origin: germline.
Comment: This sequence change replaces valine, which is neutral and non-polar, with alanine, which is neutral and non-polar, at codon 448 of the PLXNA2 protein (p.Val448Ala). This variant is present in population databases (rs772553496, gnomAD 0.006%). This variant has not been reported in the literature in individuals affected with PLXNA2-related conditions. Invitae Evidence Modeling of protein sequence and biophysical properties (such as structural, functional, and spatial information, amino acid conservation, physicochemical variation, residue mobility, and thermodynamic stability) indicates that this missense variant is not expected to disrupt PLXNA2 protein function with a negative predictive value of 80%. In summary, the available evidence is currently insufficient to determine the role of this variant in disease. Therefore, it has been classified as a Variant of Uncertain Significance.

NM_025179.4(PLXNA2):c.1343T>C (p.Val448Ala)

Gene: PLXNA2 (plexin A2; minus strand). Cytogenetic location: 1q32.2.
Variant type: single nucleotide variant.
Coding change: c.1343T>C on transcript NM_025179.4 (MANE Select); coding-DNA position 1343, T replaced by C.
Protein change: p.Val448Ala; replaces valine 448 with alanine.
Molecular consequence: missense variant.
Genome position (GRCh38, 1-based): chr1:208,210,308, A>G on the plus strand (T>C on the coding strand, the complement: PLXNA2 is on the minus strand). VCF-style: chr1-208210308-A-G. GRCh37 (hg19) VCF-style: chr1-208383653-A-G.
Other names: short protein forms V448A.
Identifiers: ClinVar variation 4763183 (VCV004763183.1).
Genomic context (GRCh38, chr1:208,210,308, plus strand): 5'-GCATTGGAGCATCTGAACTCATAGACTCTTACCTTTTTCAGCTTGCCACTCTTAGTCCCC[A>G]CAAAAACCACGCTGTAGCCGTTGTAAACGTAGGAGGCCACAGAGGTCATGCGGTCCCTGC-3'
Protein context (NP_079455.3, residues 438-458): YVYNGYSVVF[Val448Ala]GTKSGKLKKI